The following is an entry in ClinVar:

NM_000535.7(PMS2):c.108C>T (p.Ser36=)

Gene: PMS2 (PMS1 homolog 2, mismatch repair system component; minus strand). Cytogenetic location: 7p22.1.
Variant type: single nucleotide variant.
Coding change: c.108C>T on transcript NM_000535.7 (MANE Select); coding-DNA position 108, C replaced by T.
Protein change: p.Ser36=; no amino-acid change (serine 36 retained).
Molecular consequence: synonymous variant. On other transcripts: 5 prime UTR variant (8), non-coding transcript variant (1), intron variant (3).
Genome position (GRCh38, 1-based): chr7:6,005,947, G>A on the plus strand (C>T on the coding strand, the complement: PMS2 is on the minus strand). VCF-style: chr7-6005947-G-A. GRCh37 (hg19) VCF-style: chr7-6045578-G-A.
Other names: c.-298C>T (NM_001322003.2, NM_001322005.2, NM_001322009.2 and 1 more transcripts); c.108C>T, p.Ser36= (NM_001322006.2, NM_001322014.2); c.-108C>T (NM_001322007.2); c.-777C>T (NM_001322011.2, NM_001322012.2); c.-377C>T (NM_001322015.2); c.-52-1889C>T (NM_001322008.2); c.-242-1889C>T (NM_001322010.2, NM_001322004.2); c.108C>T (NM_000535.5).
Identifiers: ClinVar variation 1123811 (VCV001123811.11), dbSNP rs1368578377, ClinGen allele CA453650189.

ClinVar aggregate classification (germline): Benign/Likely benign. Review status: criteria provided, multiple submitters, no conflicts (2 of 4 stars). 3 submissions from 3 submitters: Benign (1); Likely benign (2). Last evaluated 2025-05-07.

Conditions:
Lynch syndrome 4 (LYNCH4). Also called: Colorectal cancer, hereditary nonpolyposis, type 4; Hereditary non-polyposis colorectal cancer, type 4. Identifiers: Orphanet 144, MedGen C1838333, MONDO:0013699, OMIM 614337. Disease mechanism: loss of function.
Hereditary nonpolyposis colorectal neoplasms. Identifiers: MedGen C0009405, MeSH D003123.
Hereditary cancer-predisposing syndrome. Also called: Hereditary neoplastic syndrome; Neoplastic Syndromes, Hereditary; Tumor predisposition; Hereditary Cancer Syndrome. Identifiers: Orphanet 140162, MedGen C0027672, MeSH D009386, MONDO:0015356.

Submissions (3):

Ambry Genetics
Classification: Likely benign for Hereditary cancer-predisposing syndrome. Last evaluated: 2025-05-07. Review status: criteria provided, single submitter. Criteria: Ambry Variant Classification Scheme 2023. Collection method: clinical testing. Allele origin: germline.

Myriad Genetics, Inc.
Classification: Benign for Lynch syndrome 4. Last evaluated: 2025-01-23. Review status: criteria provided, single submitter. Criteria: Myriad Autosomal Dominant, Autosomal Recessive and X-Linked Classification Criteria (2023). Collection method: clinical testing. Allele origin: unknown.
Comment: This variant is considered benign. This variant is a silent/synonymous amino acid change and it is not expected to impact splicing.

Labcorp Genetics (formerly Invitae), Labcorp
Classification: Likely benign for Hereditary nonpolyposis colorectal neoplasms. Last evaluated: 2021-08-11. Review status: criteria provided, single submitter. Criteria: Invitae Variant Classification Sherloc (09022015). Collection method: clinical testing. Allele origin: germline.